The following continues an entry in ClinVar:

NM_000243.3(MEFV):c.2076_2078del (p.Ile692del)

ClinVar aggregate classification (germline): Conflicting classifications of pathogenicity. Pathogenic (11); Likely pathogenic (4); Uncertain significance (1).

Submissions 8 to 20 of 20:

ARUP Laboratories, Molecular Genetics and Genomics, ARUP Laboratories
Classification: Pathogenic. Last evaluated: 2023-08-29. Review status: criteria provided, single submitter. Criteria: ARUP Molecular Germline Variant Investigation Process 2024. Collection method: clinical testing. Allele origin: germline.
Comment: The MEFV c.2076_2078delAAT; p.Ile692del variant (rs104895093), is reported in the literature in multiple individuals affected with familial Mediterranean fever (FMF) (Aoki 2022, Bernot 1998, Platt 2021, Salehzadeh 2015). This variant is reported as pathogenic by multiple laboratories in ClinVar (Variation ID: 97485), and is only observed on two alleles in the Genome Aggregation Database, indicating it is not a common polymorphism. This variant deletes a single isoleucine residue leaving the rest of the protein in-frame. Functional analyses demonstrate increased cell death compared to wild-type, similar to other known pathogenic variants (Aoki 2022, Honda 2021). This variant affects a residue in the conserved region of the B30.2 domain, which contains pathogenic MEFV variants associated with the most severe FMF symptoms (Moradian 2017). Based on available information, the p.Ile692del variant is considered to be pathogenic. References: Aoki M et al. Case Report: A Pediatric Case of Familial Mediterranean Fever Concurrent With Autoimmune Hepatitis. Front Immunol. 2022 Jun 24;13:917398. PMID: 35812376. Bernot A et al. Non-founder mutations in the MEFV gene establish this gene as the cause of familial Mediterranean fever (FMF). Hum Mol Genet. 1998 Aug;7(8):1317-25. PMID: 9668175. Honda Y et al. Rapid Flow Cytometry-Based Assay for the Functional Classification of MEFV Variants. J Clin Immunol. 2021 Aug;41(6):1187-1197. PMID: 33733382. Moradian MM et al. Comprehensive analysis of mutations in the MEFV gene reveal that the location and not the substitution type determines symptom severity in FMF. Mol Genet Genomic Med. 2017 Nov;5(6):742-750. PMID: 29178647. Platt CD et al. Efficacy and economics of targeted panel versus whole-exome sequencing in 878 patients with suspected primary immunodeficiency. J Allergy Clin Immunol. 2021 Feb;147(2):723-726. PMID: 32888943. Salehzadeh F et al. MEFV Gene Profile in Northwest of Iran, Twelve Common MEFV Gene Mutations Analysis in 216 Patients with Familial Mediterranean Fever. Iran J Med Sci. 2015 Jan;40(1):68-72. PMID: 25648235.

GeneDx
Classification: Pathogenic. Last evaluated: 2023-02-27. Review status: criteria provided, single submitter. Criteria: GeneDx Variant Classification Process June 2021. Collection method: clinical testing. Allele origin: germline. Affected: yes.
Comment: Published functional studies demonstrate this variant has a deleterious effect on protein function (Honda et al., 2021); In-frame deletion of 1 amino acid in a non-repeat region; Not observed at significant frequency in large population cohorts (gnomAD); In silico analysis supports a deleterious effect on protein structure/function; This variant is associated with the following publications: (PMID: 19253030, 22975760, 23907647, 9668175, 10737995, 25648235, 26892483, 29543225, 32888943, 35812376, 19302049, 29379228, 28302131, 29047407, 17566872, 33733382)

Blueprint Genetics
Classification: Pathogenic for MEFV-related disorders. Last evaluated: 2022-12-14. Review status: criteria provided, single submitter. Criteria: ACMG Guidelines, 2015. Collection method: clinical testing. Allele origin: germline. Affected: yes. Observed: 2 variant alleles.

Revvity Omics, Revvity
Classification: Likely pathogenic. Last evaluated: 2022-09-14. Review status: criteria provided, single submitter. Criteria: ACMG Guidelines, 2015. Collection method: clinical testing. Allele origin: germline.

3billion
Classification: Pathogenic for Familial Mediterranean fever. Last evaluated: 2022-03-22. Review status: criteria provided, single submitter. Criteria: ACMG Guidelines, 2015. Collection method: clinical testing. Allele origin: germline. Affected: yes. Observed: 1 heterozygote.
Comment: nframe deletion located in a nonrepeat region: predicted to change the length of the protein and disrupt normal protein function(PM4_M). The variant has been reported at least twice as pathogenic/likely pathogenic with clinical assertions and evidence for the classification (ClinVar ID: VCV000097485, PMID:9668175). It is observed at an extremely low frequency in the gnomAD v2.1.1 dataset (total allele frequency: 0.000008). The variant is observed to be in trans with the other variant (3billion dataset). Therefore, this variant is classified as pathogenic according to the recommendation of ACMG/AMP guideline.

Genome Diagnostics Laboratory, The Hospital for Sick Children
Classification: Pathogenic for Autoinflammatory syndrome. Last evaluated: 2022-03-01. Review status: criteria provided, single submitter. Criteria: ACMG Guidelines, 2015. Collection method: clinical testing. Allele origin: germline. Affected: yes.

Quest Diagnostics Nichols Institute San Juan Capistrano
Classification: Pathogenic. Last evaluated: 2019-02-20. Review status: criteria provided, single submitter. Criteria: Quest Diagnostics criteria. Collection method: clinical testing. Allele origin: germline.
Comment: The best available variant frequency is uninformative. Statistically enriched in patients compared to ethnically matched controls. Found in at least one symptomatic patient. Occurs in multiple cases with a recessive pathogenic variant in the same gene.

Clinical Genetics and Genomics, Karolinska University Hospital
Classification: Pathogenic. Last evaluated: 2015-09-16. Review status: criteria provided, single submitter. Criteria: ACMG Guidelines, 2015. Collection method: clinical testing. Allele origin: germline. Affected: yes. Observed: 1 variant allele.

Eurofins Ntd Llc (ga)
Classification: Pathogenic. Last evaluated: 2014-10-14. Review status: criteria provided, single submitter. Criteria: EGL Classification Definitions 2015. Collection method: clinical testing. Allele origin: germline. Observed: 1 variant allele, 1 heterozygote.

Counsyl
Classification: Likely pathogenic for Familial Mediterranean fever. Last evaluated: 2019-03-15. Review status: no assertion criteria provided. Collection method: clinical testing. Allele origin: unknown. Not counted in ClinVar's aggregate classification.

OMIM
Classification: Pathogenic for FAMILIAL MEDITERRANEAN FEVER. Last evaluated: 1998-08-01. Review status: no assertion criteria provided. Collection method: literature only. Allele origin: germline. Not counted in ClinVar's aggregate classification.

GeneReviews
No classification provided. Condition: Familial Mediterranean fever. Review status: no classification provided. Collection method: literature only. Allele origin: germline. Affected: yes. Not counted in ClinVar's aggregate classification.

Unité médicale des maladies autoinflammatoires, CHRU Montpellier
No classification provided. Condition: Familial Mediterranean fever. Review status: no classification provided. Collection method: not provided. Allele origin: unknown. Not counted in ClinVar's aggregate classification.

Literature cited by the submitters: PubMed 9668175 (cited by 7 submitters); PubMed 14578331 (cited by Labcorp Genetics (formerly Invitae), Labcorp and Women's Health and Genetics/Laboratory Corporation of America, LabCorp); PubMed 15018633 (cited by Labcorp Genetics (formerly Invitae), Labcorp and Women's Health and Genetics/Laboratory Corporation of America, LabCorp); PubMed 17566872 (cited by 6 submitters); PubMed 19253030 (cited by 5 submitters); PubMed 21246368 (cited by Labcorp Genetics (formerly Invitae), Labcorp); PubMed 21413889 (cited by Labcorp Genetics (formerly Invitae), Labcorp and Women's Health and Genetics/Laboratory Corporation of America, LabCorp); PubMed 22019805 (cited by 4 submitters); PubMed 25648235 (cited by 5 submitters); PubMed 28302131 (cited by Labcorp Genetics (formerly Invitae), Labcorp and Dasa); PubMed 29047407 (cited by Labcorp Genetics (formerly Invitae), Labcorp and Dasa); PubMed 29379228 (cited by Labcorp Genetics (formerly Invitae), Labcorp and Dasa); PubMed 10364520 (cited by Women's Health and Genetics/Laboratory Corporation of America, LabCorp); PubMed 20165923 (cited by Women's Health and Genetics/Laboratory Corporation of America, LabCorp); PubMed 16378925 (cited by Women's Health and Genetics/Laboratory Corporation of America, LabCorp); PubMed 10737992 (cited by Women's Health and Genetics/Laboratory Corporation of America, LabCorp); PubMed 20485448 (cited by Women's Health and Genetics/Laboratory Corporation of America, LabCorp); PubMed 19777236 (cited by 3 submitters); PubMed 18496034 (cited by Women's Health and Genetics/Laboratory Corporation of America, LabCorp); PubMed 17934081 (cited by Women's Health and Genetics/Laboratory Corporation of America, LabCorp); PubMed 33733382 (cited by Women's Health and Genetics/Laboratory Corporation of America, LabCorp and Dasa); PubMed 27956278 (cited by Women's Health and Genetics/Laboratory Corporation of America, LabCorp); PubMed 17276496 (cited by 4 submitters); PubMed 29393966 (cited by Victorian Clinical Genetics Services, Murdoch Childrens Research Institute); PubMed 21600797 (cited by Victorian Clinical Genetics Services, Murdoch Childrens Research Institute); PubMed 31088470 (cited by Victorian Clinical Genetics Services, Murdoch Childrens Research Institute); PubMed 35812376 (cited by Victorian Clinical Genetics Services, Murdoch Childrens Research Institute and Dasa); PubMed 11528510 (cited by Victorian Clinical Genetics Services, Murdoch Childrens Research Institute); PubMed 20301405 (cited by Victorian Clinical Genetics Services, Murdoch Childrens Research Institute); PubMed 22975760 (cited by Dasa); PubMed 23907647 (cited by Dasa and Counsyl); PubMed 10737995 (cited by Dasa); PubMed 26892483 (cited by Dasa); PubMed 29543225 (cited by Dasa); PubMed 32888943 (cited by Dasa); PubMed 19302049 (cited by Dasa); NCBI Bookshelf NBK1227 (cited by GeneReviews).